The following is an entry in ClinVar:

ClinVar aggregate classification (germline): Likely pathogenic (1 of 4 stars; one submission).

Conditions:
Megalencephalic leukoencephalopathy with subcortical cysts 1 (MLC1). Also called: LEUKOENCEPHALOPATHY WITH SWELLING AND CYSTS; VACUOLATING MEGALENCEPHALIC LEUKOENCEPHALOPATHY WITH SUBCORTICAL CYSTS. Identifiers: Orphanet 2478, MedGen C5779875, MONDO:0024555, OMIM 604004.

Submission:

Myriad Genetics, Inc.
Classification: Likely pathogenic for Megalencephalic leukoencephalopathy with subcortical cysts 1. Last evaluated: 2020-03-11. Review status: criteria provided, single submitter. Criteria: Myriad Women's Health Autosomal Recessive and X-Linked Classification Criteria (2019). Collection method: clinical testing. Allele origin: unknown.
Comment: NM_015166.3(MLC1):c.341T>A(L114*) is expected to be pathogenic in the context of megalencephalic leukoencephalopathy with subcortical cysts. This variant is predicted to lead to an abnormal or absent protein product due to the creation of a premature termination codon in MLC1, a gene where loss-of-function variants are known to be pathogenic. Please note: this variant was assessed in the context of healthy population screening.

NM_015166.4(MLC1):c.341T>A (p.Leu114Ter)

Gene: MLC1 (modulator of VRAC current 1; minus strand). Cytogenetic location: 22q13.33.
Variant type: single nucleotide variant.
Coding change: c.341T>A on transcript NM_015166.4 (MANE Select); coding-DNA position 341, T replaced by A.
Protein change: p.Leu114Ter; replaces leucine 114 with a stop codon.
Molecular consequence: nonsense. On other transcripts: non-coding transcript variant (3), intron variant (3).
Genome position (GRCh38, 1-based): chr22:50,080,000, A>T on the plus strand (T>A on the coding strand, the complement: MLC1 is on the minus strand). VCF-style: chr22-50080000-A-T. GRCh37 (hg19) VCF-style: chr22-50518429-A-T.
Other names: c.341T>A, p.Leu114Ter (NM_001376472.1, NM_001376473.1, NM_001376474.1 and 6 more transcripts); c.251T>A, p.Leu84Ter (NM_001376480.1); c.104T>A, p.Leu35Ter (NM_001376484.1); c.268-2498T>A (NM_001376482.1, NM_001376483.1); c.321+344T>A (NM_001376481.1); short protein forms L114*, L35*, L84*.
Identifiers: ClinVar variation 983683 (VCV000983683.3), dbSNP rs1458824689, ClinGen allele CA412110741.